The following is an entry in ClinVar:

ClinVar aggregate classification (germline): Uncertain significance (1 of 4 stars; one submission).

gnomAD v4.1: 9 of 1,613,926 alleles (0.00056%); highest among the groups gnomAD compares: Non-Finnish European, 0.00076%; no homozygotes.

Submission:

Labcorp Genetics (formerly Invitae), Labcorp
Classification: Uncertain significance. Last evaluated: 2024-10-29. Review status: criteria provided, single submitter. Criteria: Invitae Variant Classification Sherloc (09022015). Collection method: clinical testing. Allele origin: germline.
Comment: This sequence change replaces leucine, which is neutral and non-polar, with methionine, which is neutral and non-polar, at codon 1307 of the CDH23 protein (p.Leu1307Met). This variant is not present in population databases (gnomAD no frequency). This variant has not been reported in the literature in individuals affected with CDH23-related conditions. Invitae Evidence Modeling of protein sequence and biophysical properties (such as structural, functional, and spatial information, amino acid conservation, physicochemical variation, residue mobility, and thermodynamic stability) has been performed for this missense variant. However, the output from this modeling did not meet the statistical confidence thresholds required to predict the impact of this variant on CDH23 protein function. In summary, the available evidence is currently insufficient to determine the role of this variant in disease. Therefore, it has been classified as a Variant of Uncertain Significance.

NM_022124.6(CDH23):c.3919C>A (p.Leu1307Met)

Genes: C10orf105 (chromosome 10 open reading frame 105; minus strand), CDH23 (cadherin related 23; plus strand). Cytogenetic location: 10q22.1.
Variant type: single nucleotide variant.
Coding change: c.3919C>A on transcript NM_022124.6 (MANE Select); coding-DNA position 3919, C replaced by A.
Protein change: p.Leu1307Met; replaces leucine 1307 with methionine.
Molecular consequence: missense variant. On other transcripts: intron variant (1).
Genome position (GRCh38, 1-based): chr10:71,732,190, C>A. VCF-style: chr10-71732190-C-A. GRCh37 (hg19) VCF-style: chr10-73491947-C-A.
Other names: c.3919C>A, p.Leu1307Met (NM_001171930.2); c.-6+5538G>T (NM_001168390.2); short protein forms L1307M.
Identifiers: ClinVar variation 3687414 (VCV003687414.2).
Genomic context (GRCh38, chr10:71,732,190, plus strand): 5'-GACCAGGCCCCGCCCTTCAACCAGGGCTTCTGCAGCGTCTACATCACTCTGCTCAACGAG[C>A]TGGACGAGGCCGTGCAGTTCTCCAATGCCTCATACGAGGCTGCCATCCTGGAGAATCTGG-3'
Protein context (NP_071407.4, residues 1297-1317): CSVYITLLNE[Leu1307Met]DEAVQFSNAS